The following is an entry in ClinVar:

ClinVar aggregate classification (germline): Pathogenic/Likely pathogenic. Review status: criteria provided, multiple submitters, no conflicts (2 of 4 stars). 2 submissions from 2 submitters: Pathogenic (1); Likely pathogenic (1). Last evaluated 2026-06-29.

Conditions:
Hereditary cancer-predisposing syndrome. Also called: Hereditary Cancer Syndrome; Hereditary neoplastic syndrome; Neoplastic Syndromes, Hereditary; Tumor predisposition. Identifiers: Orphanet 140162, MedGen C0027672, MeSH D009386, MONDO:0015356.
DICER1-related tumor predisposition. Also called: DICER1-related pleuropulmonary blastoma cancer predisposition syndrome; DICER1 syndrome. Identifiers: Orphanet 284343, MedGen C3839822, MONDO:0100216.

Submissions (2):

Ambry Genetics
Classification: Likely pathogenic for Hereditary cancer-predisposing syndrome. Last evaluated: 2026-06-29. Review status: criteria provided, single submitter. Criteria: Ambry Variant Classification Scheme 2023. Collection method: clinical testing. Allele origin: germline.
Comment: The c.4050+2T>G intronic variant results from a T to G substitution two nucleotides after coding exon 20 in the DICER1 gene. This variant was reported in individual(s) with features consistent with DICER1-related tumor predisposition (Ambry internal data). This variant is considered to be rare based on population cohorts in the Genome Aggregation Database (gnomAD). This nucleotide position is highly conserved in available vertebrate species. In silico splice site analysis predicts that this alteration will weaken the native splice donor site. Variants that disrupt the canonical splice site are expected to cause aberrant splicing, resulting in an abnormal protein or a transcript that is subject to nonsense-mediated mRNA decay. As such, this variant is classified as likely pathogenic.

Labcorp Genetics (formerly Invitae), Labcorp
Classification: Pathogenic for DICER1-related tumor predisposition. Last evaluated: 2025-05-04. Review status: criteria provided, single submitter. Criteria: Invitae Variant Classification Sherloc (09022015). Collection method: clinical testing. Allele origin: germline.
Comment: This sequence change affects a donor splice site in intron 21 of the DICER1 gene. RNA analysis indicates that disruption of this splice site induces altered splicing and may result in an absent or altered protein product. This variant is not present in population databases (gnomAD no frequency). Disruption of this splice site has been observed in individuals with DICER1-related conditions (PMID: 21882293, 25022261). Studies have shown that disruption of this splice site results in activation of a cryptic splice site, and produces a non-functional protein and/or introduces a premature termination codon (internal data). For these reasons, this variant has been classified as Pathogenic.

Literature cited by the submitters: PubMed 21882293 (cited by Labcorp Genetics (formerly Invitae), Labcorp); PubMed 25022261 (cited by Labcorp Genetics (formerly Invitae), Labcorp).

NM_177438.3(DICER1):c.4050+2T>G

Gene: DICER1 (dicer 1, ribonuclease III; minus strand). Cytogenetic location: 14q32.13.
Variant type: single nucleotide variant.
Coding change: c.4050+2T>G on transcript NM_177438.3 (MANE Select); the canonical splice donor site of the intron after coding-DNA position 4050, T replaced by G.
Molecular consequence: splice donor variant.
Genome position (GRCh38, 1-based): chr14:95,103,344, A>C on the plus strand (T>G on the coding strand, the complement: DICER1 is on the minus strand). VCF-style: chr14-95103344-A-C. GRCh37 (hg19) VCF-style: chr14-95569681-A-C.
Other names: c.4050+2T>G (NM_001291628.2, NM_030621.4, NM_001395677.1 and 13 more transcripts); c.3645+2T>G (NM_001395690.1, NM_001395687.1, NM_001395689.1 and 2 more transcripts); c.3768+2T>G (NM_001395686.1); c.3483+2T>G (NM_001395691.1); c.2367+2T>G (NM_001395697.1).
Identifiers: ClinVar variation 4715271 (VCV004715271.2).
Genomic context (GRCh38, chr14:95,103,344, plus strand): 5'-TGCAAACCACTTTCAGGCACACTGAATAATTAACTGCTCAAAATAAAAAAATCATCTCTT[A>C]CCTTTTTGCTTCTCATATATGAAAGGCGGCCCTCATGCGCATCAGGGTAAGTGCAAAATA-3'